The following is an entry in ClinVar:

ClinVar aggregate classification (germline): Benign/Likely benign. Review status: criteria provided, multiple submitters, no conflicts (2 of 4 stars). 3 submissions from 3 submitters: Benign (1); Likely benign (2). Last evaluated 2025-07-05.

Conditions:
Renal cell carcinoma. Identifiers: Orphanet 217071, MedGen C0007134, MeSH D002292, MONDO:0005086, HP:0005584.
Hereditary cancer-predisposing syndrome. Also called: Hereditary Cancer Syndrome; Tumor predisposition; Hereditary neoplastic syndrome; Neoplastic Syndromes, Hereditary. Identifiers: Orphanet 140162, MedGen C0027672, MeSH D009386, MONDO:0015356.
Papillary renal cell carcinoma type 1 (RCCP1). Also called: RENAL CELL CARCINOMA, PAPILLARY, 1, SOMATIC; Renal adenocarcinoma; Renal cell carcinoma 1; Renal cell carcinoma, somatic. Identifiers: Orphanet 47044, MedGen C1336839, OMIM 605074, HP:0011797.

Allele frequency attached by ClinVar (database versions not stated): gnomAD exomes below 0.00001; gnomAD 0.00001.

Submissions (3):

Labcorp Genetics (formerly Invitae), Labcorp
Classification: Likely benign for Renal cell carcinoma. Last evaluated: 2025-07-05. Review status: criteria provided, single submitter. Criteria: Invitae Variant Classification Sherloc (09022015). Collection method: clinical testing. Allele origin: germline.

Myriad Genetics, Inc.
Classification: Benign for Papillary renal cell carcinoma type 1. Last evaluated: 2024-11-06. Review status: criteria provided, single submitter. Criteria: Myriad Autosomal Dominant, Autosomal Recessive and X-Linked Classification Criteria (2023). Collection method: clinical testing. Allele origin: unknown.
Comment: This variant is considered benign. This variant is a silent/synonymous amino acid change and it is not expected to impact splicing.

Ambry Genetics
Classification: Likely benign for Hereditary cancer-predisposing syndrome. Last evaluated: 2023-02-23. Review status: criteria provided, single submitter. Criteria: Ambry Variant Classification Scheme 2023. Collection method: clinical testing. Allele origin: germline.

NM_000245.4(MET):c.631T>C (p.Leu211=)

Gene: MET (MET proto-oncogene, receptor tyrosine kinase; plus strand). Cytogenetic location: 7q31.2.
Variant type: single nucleotide variant.
Coding change: c.631T>C on transcript NM_000245.4 (MANE Select); coding-DNA position 631, T replaced by C.
Protein change: p.Leu211=; no amino-acid change (leucine 211 retained).
Molecular consequence: synonymous variant. On other transcripts: intron variant (1).
Genome position (GRCh38, 1-based): chr7:116,699,715, T>C. VCF-style: chr7-116699715-T-C. GRCh37 (hg19) VCF-style: chr7-116339769-T-C.
Other names: c.631T>C, p.Leu211= (NM_001127500.3, NM_001324401.3); c.-91+27138T>C (NM_001324402.2).
Identifiers: ClinVar variation 721712 (VCV000721712.12), dbSNP rs1584877307, ClinGen allele CA457447811.